The following is an entry in ClinVar:

NM_000492.4(CFTR):c.1210-12_1210-11insGTTT

Genes: CFTR (CF transmembrane conductance regulator; plus strand), CFTR-AS1 (CFTR antisense RNA 1; minus strand). Cytogenetic location: 7q31.2.
Variant type: Insertion.
Coding change: c.1210-12_1210-11insGTTT on transcript NM_000492.4 (MANE Select); 12 bases into the intron before coding-DNA position 1210 through 11 bases into the intron before coding-DNA position 1210, GTTT inserted.
Molecular consequence: intron variant.
Genome position: GRCh38 VCF-style: chr7-117548628-G-GTGTT. GRCh37 (hg19) VCF-style: chr7-117188682-G-GTGTT.
Other names: c.1210-12_1210-11insGTTT (NM_000492.3).
Identifiers: ClinVar variation 1165280 (VCV001165280.5), dbSNP rs756031917, ClinGen allele CA4450949.

ClinVar aggregate classification (germline): Benign. Review status: criteria provided, single submitter (1 of 4 stars). 2 submissions from 2 submitters: Benign (1). 1 of the submissions does not count toward it. Last evaluated 2020-10-19.

Conditions:
CFTR-related disorder (CFTR-RD). Also called: CFTR-related condition; CFTR-related disorders. Identifiers: MedGen C5924204, MONDO:7770004.
Cystic fibrosis (CF). Also called: MUCOVISCIDOSIS. Identifiers: Orphanet 586, MedGen C0010674, MONDO:0009061, OMIM 219700. Disease mechanism: loss of function.

Submissions (2):

Labcorp Genetics (formerly Invitae), Labcorp
Classification: Benign for Cystic fibrosis. Last evaluated: 2020-10-19. Review status: criteria provided, single submitter. Criteria: Invitae Variant Classification Sherloc (09022015). Collection method: clinical testing. Allele origin: germline.

PreventionGenetics, part of Exact Sciences
Classification: Likely benign for CFTR-related condition. Last evaluated: 2021-11-26. Review status: no assertion criteria provided. Collection method: clinical testing. Allele origin: germline. Not counted in ClinVar's aggregate classification.
Comment: This variant is classified as likely benign based on ACMG/AMP sequence variant interpretation guidelines (Richards et al. 2015 PMID: 25741868, with internal and published modifications).